The following is an entry in ClinVar:

NM_001394998.1(TANC2):c.4730A>G (p.His1577Arg)

Gene: TANC2 (tetratricopeptide repeat, ankyrin repeat and coiled-coil containing 2; plus strand). Cytogenetic location: 17q23.3.
Variant type: single nucleotide variant.
Coding change: c.4730A>G on transcript NM_001394998.1 (MANE Select); coding-DNA position 4730, A replaced by G.
Protein change: p.His1577Arg; replaces histidine 1577 with arginine.
Molecular consequence: missense variant.
Genome position (GRCh38, 1-based): chr17:63,420,460, A>G. VCF-style: chr17-63420460-A-G. GRCh37 (hg19) VCF-style: chr17-61497821-A-G.
Other names: c.4508A>G, p.His1503Arg (NM_001411076.1); c.4478A>G, p.His1493Arg (NM_025185.4); short protein forms H1493R, H1503R, H1577R.
Identifiers: ClinVar variation 2662033 (VCV002662033.1), dbSNP rs2048991211, ClinGen allele CA400542217.

ClinVar aggregate classification (germline): Uncertain significance (1 of 4 stars; one submission).

Submission:

GeneDx
Classification: Uncertain significance. Last evaluated: 2023-04-25. Review status: criteria provided, single submitter. Criteria: GeneDx Variant Classification Process June 2021. Collection method: clinical testing. Allele origin: germline. Affected: yes.
Comment: Not observed at significant frequency in large population cohorts (gnomAD); In silico analysis supports that this missense variant does not alter protein structure/function; Has not been previously published as pathogenic or benign to our knowledge